The following is an entry in ClinVar:

NM_001851.6(COL9A1):c.2284A>G (p.Ile762Val)

Gene: COL9A1 (collagen type IX alpha 1 chain; minus strand). Cytogenetic location: 6q13.
Variant type: single nucleotide variant.
Coding change: c.2284A>G on transcript NM_001851.6 (MANE Select); coding-DNA position 2284, A replaced by G.
Protein change: p.Ile762Val; replaces isoleucine 762 with valine.
Molecular consequence: missense variant. On other transcripts: non-coding transcript variant (1).
Genome position (GRCh38, 1-based): chr6:70,234,569, T>C on the plus strand (A>G on the coding strand, the complement: COL9A1 is on the minus strand). VCF-style: chr6-70234569-T-C. GRCh37 (hg19) VCF-style: chr6-70944272-T-C.
Other names: c.1585A>G, p.Ile529Val (NM_001377289.1); c.1408A>G, p.Ile470Val (NM_001377290.1); c.1555A>G, p.Ile519Val (NM_078485.4); short protein forms I470V, I519V, I529V, I762V.
Identifiers: ClinVar variation 1699500 (VCV001699500.3), dbSNP rs2127559477, ClinGen allele CA364672879.

ClinVar aggregate classification (germline): Uncertain significance (1 of 4 stars; one submission).

Conditions:
Stickler syndrome, type 4 (STL4). Identifiers: Orphanet 250984, Orphanet 828, MedGen C3279941, MONDO:0013590, OMIM 614134.

Allele frequency attached by ClinVar (database versions not stated): gnomAD exomes below 0.00001.
gnomAD v4.1: 5 of 1,614,214 alleles (0.00031%); highest among the groups gnomAD compares: Non-Finnish European, 0.00042%; no homozygotes.

Submission:

Victorian Clinical Genetics Services, Murdoch Childrens Research Institute
Classification: Uncertain significance for Stickler syndrome, type 4. Last evaluated: 2022-02-02. Review status: criteria provided, single submitter. Criteria: ACMG Guidelines, 2015. Collection method: clinical testing. Allele origin: germline. Inheritance: Autosomal recessive inheritance. Affected: yes.
Comment: Based on the classification scheme VCGS_Germline_v1.3.4, this variant is classified as VUS-3B. Following criteria are met: 0102 - Loss of function is a known mechanism of disease in this gene and is associated with Stickler syndrome, type IV (MIM#614134). (I) 0106 - This gene is associated with autosomal recessive disease. (I) 0115 - Variants in this gene are known to have variable expressivity (GeneReviews). (I) 0200 - Variant is predicted to result in a missense amino acid change from isoleucine to valine. (I) 0251 - This variant is heterozygous. (I) 0301 - Variant is absent from gnomAD (both v2 and v3). (SP) 0309 - An alternative amino acid change at the same position has been observed in gnomAD (v3) (1 heterozygote, 0 homozygotes). (I) 0502 - Missense variant with conflicting in silico predictions and uninformative conservation. (I) 0604 - Variant is not located in an established domain, motif, hotspot or informative constraint region. (I) 0705 - No comparable missense variants have previous evidence for pathogenicity. (I) 0807 - This variant has no previous evidence of pathogenicity. (I) 0905 - No published segregation evidence has been identified for this variant. (I) 1007 - No published functional evidence has been identified for this variant. (I) 1208 - Inheritance information for this variant is not currently available in this individual. (I)